The following is an entry in ClinVar:

NM_001142864.4(PIEZO1):c.2875G>A (p.Ala959Thr)

Genes: PIEZO1 (piezo type mechanosensitive ion channel component 1 (Er blood group); minus strand), HSALR1 (HSP90AB1 associated lncRNA 1; plus strand). Cytogenetic location: 16q24.3.
Variant type: single nucleotide variant.
Coding change: c.2875G>A on transcript NM_001142864.4 (MANE Select); coding-DNA position 2875, G replaced by A.
Protein change: p.Ala959Thr; replaces alanine 959 with threonine.
Molecular consequence: missense variant.
Genome position (GRCh38, 1-based): chr16:88,732,451, C>T on the plus strand (G>A on the coding strand, the complement: PIEZO1 is on the minus strand). VCF-style: chr16-88732451-C-T. GRCh37 (hg19) VCF-style: chr16-88798859-C-T.
Other names: p.Ala959Thr; c.2875G>A (NM_001142864.2); short protein forms A959T.
Identifiers: ClinVar variation 1330749 (VCV001330749.13), dbSNP rs770222800, ClinGen allele CA8232682.

ClinVar aggregate classification (germline): Conflicting classifications of pathogenicity. Review status: criteria provided, conflicting classifications (1 of 4 stars). 5 submissions from 5 submitters: Uncertain significance (4); Benign (1). Last evaluated 2024-07-12.

Conditions:
Inborn genetic diseases. Identifiers: MedGen C0950123, MeSH D030342.

Allele frequency attached by ClinVar (database versions not stated): ExAC 0.00006.
gnomAD v4.1: 50 of 1,549,414 alleles (0.0032%); highest among the groups gnomAD compares: Middle Eastern, 0.083%; no homozygotes.

Submissions (5):

Mayo Clinic Laboratories, Mayo Clinic
Classification: Uncertain significance. Last evaluated: 2024-07-12. Review status: criteria provided, single submitter. Criteria: ACMG Guidelines, 2015. Collection method: clinical testing. Allele origin: germline. Observed: 1 variant allele.
Comment: BP4, PM2_moderate

Labcorp Genetics (formerly Invitae), Labcorp
Classification: Benign. Last evaluated: 2024-05-06. Review status: criteria provided, single submitter. Criteria: Invitae Variant Classification Sherloc (09022015). Collection method: clinical testing. Allele origin: germline.

Ambry Genetics
Classification: Uncertain significance for Inborn genetic diseases. Last evaluated: 2024-01-03. Review status: criteria provided, single submitter. Criteria: Ambry Variant Classification Scheme 2023. Collection method: clinical testing. Allele origin: germline.

ARUP Laboratories, Molecular Genetics and Genomics, ARUP Laboratories
Classification: Uncertain significance. Last evaluated: 2021-03-18. Review status: criteria provided, single submitter. Criteria: ARUP Molecular Germline Variant Investigation Process 2021. Collection method: clinical testing. Allele origin: germline.

Breakthrough Genomics
Classification: Uncertain significance. Review status: criteria provided, single submitter. Criteria: ACMG Guidelines, 2015. Collection method: not provided. Allele origin: germline. Inheritance: Autosomal recessive inheritance. Affected: yes.